The following is an entry in ClinVar:

ClinVar aggregate classification (germline): Uncertain significance. Review status: criteria provided, multiple submitters, no conflicts (2 of 4 stars). 2 submissions from 2 submitters: Uncertain significance (2). Last evaluated 2024-11-01.

Submissions (2):

CeGaT Center for Human Genetics Tuebingen
Classification: Uncertain significance. Last evaluated: 2024-11-01. Review status: criteria provided, single submitter. Criteria: CeGaT Center For Human Genetics Tuebingen Variant Classification Criteria Version 2. Collection method: clinical testing. Allele origin: germline. Affected: yes. Observed: 1 variant allele.
Comment: COL9A3: PM2, BP4

Labcorp Genetics (formerly Invitae), Labcorp
Classification: Uncertain significance. Last evaluated: 2022-11-15. Review status: criteria provided, single submitter. Criteria: Invitae Variant Classification Sherloc (09022015). Collection method: clinical testing. Allele origin: germline.
Comment: In summary, the available evidence is currently insufficient to determine the role of this variant in disease. Therefore, it has been classified as a Variant of Uncertain Significance. Variants that disrupt the consensus splice site are a relatively common cause of aberrant splicing (PMID: 17576681, 9536098). Algorithms developed to predict the effect of sequence changes on RNA splicing suggest that this variant is not likely to affect RNA splicing. This variant has not been reported in the literature in individuals affected with COL9A3-related conditions. This variant is not present in population databases (gnomAD no frequency). This sequence change falls in intron 31 of the COL9A3 gene. It does not directly change the encoded amino acid sequence of the COL9A3 protein. It affects a nucleotide within the consensus splice site.

Literature cited by the submitters: PubMed 17576681 (cited by Labcorp Genetics (formerly Invitae), Labcorp); PubMed 9536098 (cited by Labcorp Genetics (formerly Invitae), Labcorp).

NM_001853.4(COL9A3):c.1864+6A>G

Gene: COL9A3 (collagen type IX alpha 3 chain; plus strand). Cytogenetic location: 20q13.33.
Variant type: single nucleotide variant.
Coding change: c.1864+6A>G on transcript NM_001853.4 (MANE Select); 6 bases into the intron after coding-DNA position 1864, A replaced by G.
Molecular consequence: intron variant.
Genome position (GRCh38, 1-based): chr20:62,838,767, A>G. VCF-style: chr20-62838767-A-G. GRCh37 (hg19) VCF-style: chr20-61470119-A-G.
Identifiers: ClinVar variation 2002405 (VCV002002405.18), dbSNP rs2516093731, ClinGen allele CA2580098475.
Genomic context (GRCh38, chr20:62,838,767, plus strand): 5'-AAAGGCGCGGCAGGAGCAGGGCTGGACGGGCCTGAAGGAGACCAGGGGCCCCAAGGTACG[A>G]GTCCACGGCCAGCAAGGCTTCACTGGGTGACATCTCTTCCGCCATCTTGTAGCTTTATGT-3'